The following is an entry in ClinVar:

ClinVar aggregate classification (germline): Likely benign. Review status: criteria provided, single submitter (1 of 4 stars). 2 submissions from 2 submitters: Likely benign (1). 1 of the submissions does not count toward it. Last evaluated 2022-08-21.

Conditions:
POGZ-related disorder. Also called: POGZ-related condition.

Allele frequency attached by ClinVar (database versions not stated): ExAC 0.00002; gnomAD exomes 0.00002; gnomAD 0.00003; TOPMed 0.00003; ESP Exome Variant Server 0.00015; 1000 Genomes Project 30x 0.00016.

Submissions (2):

Blueprint Genetics
Classification: Likely benign. Last evaluated: 2022-08-21. Review status: criteria provided, single submitter. Criteria: ACMG Guidelines, 2015. Collection method: clinical testing. Allele origin: germline.

PreventionGenetics, part of Exact Sciences
Classification: Likely benign for POGZ-related condition. Last evaluated: 2021-10-01. Review status: no assertion criteria provided. Collection method: clinical testing. Allele origin: germline. Not counted in ClinVar's aggregate classification.
Comment: This variant is classified as likely benign based on ACMG/AMP sequence variant interpretation guidelines (Richards et al. 2015 PMID: 25741868, with internal and published modifications).

NM_015100.4(POGZ):c.2256A>G (p.Thr752=)

Gene: POGZ (pogo transposable element derived with ZNF domain; minus strand). Cytogenetic location: 1q21.3.
Variant type: single nucleotide variant.
Coding change: c.2256A>G on transcript NM_015100.4 (MANE Select); coding-DNA position 2256, A replaced by G.
Protein change: p.Thr752=; no amino-acid change (threonine 752 retained).
Molecular consequence: synonymous variant.
Genome position (GRCh38, 1-based): chr1:151,408,219, T>C on the plus strand (A>G on the coding strand, the complement: POGZ is on the minus strand). VCF-style: chr1-151408219-T-C. GRCh37 (hg19) VCF-style: chr1-151380695-T-C.
Other names: c.2229A>G, p.Thr743= (NM_001194937.2); c.2070A>G, p.Thr690= (NM_001194938.2); c.2277A>G, p.Thr759= (NM_001410860.1); c.1971A>G, p.Thr657= (NM_145796.4); c.2097A>G, p.Thr699= (NM_207171.2).
Identifiers: ClinVar variation 3030810 (VCV003030810.3), dbSNP rs111313602, ClinGen allele CA1091216.